The following is an entry in ClinVar:

ClinVar aggregate classification (germline): Uncertain significance (1 of 4 stars; one submission).

gnomAD v4.1: 2 of 1,609,464 alleles (0.00012%); highest among the groups gnomAD compares: East Asian, 0.0045%; no homozygotes.

Submission:

Labcorp Genetics (formerly Invitae), Labcorp
Classification: Uncertain significance. Last evaluated: 2024-04-10. Review status: criteria provided, single submitter. Criteria: Invitae Variant Classification Sherloc (09022015). Collection method: clinical testing. Allele origin: germline.
Comment: This sequence change replaces glycine, which is neutral and non-polar, with valine, which is neutral and non-polar, at codon 497 of the C7 protein (p.Gly497Val). This variant is not present in population databases (gnomAD no frequency). This variant has not been reported in the literature in individuals affected with C7-related conditions. An algorithm developed to predict the effect of missense changes on protein structure and function (PolyPhen-2) suggests that this variant is likely to be disruptive. Algorithms developed to predict the effect of sequence changes on RNA splicing suggest that this variant may create or strengthen a splice site. In summary, the available evidence is currently insufficient to determine the role of this variant in disease. Therefore, it has been classified as a Variant of Uncertain Significance.

NM_000587.4(C7):c.1490G>T (p.Gly497Val)

Gene: C7 (complement C7; plus strand). Cytogenetic location: 5p13.1.
Variant type: single nucleotide variant.
Coding change: c.1490G>T on transcript NM_000587.4 (MANE Select); coding-DNA position 1490, G replaced by T.
Protein change: p.Gly497Val; replaces glycine 497 with valine.
Molecular consequence: missense variant.
Genome position (GRCh38, 1-based): chr5:40,959,449, G>T. VCF-style: chr5-40959449-G-T. GRCh37 (hg19) VCF-style: chr5-40959551-G-T.
Other names: short protein forms G497V.
Identifiers: ClinVar variation 3692048 (VCV003692048.2).